The following is an entry in ClinVar:

ClinVar aggregate classification (germline): Uncertain significance (1 of 4 stars; one submission).

Conditions:
Microcephaly, normal intelligence and immunodeficiency (NBS). Also called: Nijmegen breakage syndrome; Microcephaly with normal intelligence immunodeficiency and lymphoreticular malignancies; Nonsyndromal microcephaly autosomal recessive with normal intelligence; Seemanova syndrome 2; Ataxia telangiectasia variant V1; BERLIN BREAKAGE SYNDROME. Identifiers: Orphanet 647, MedGen C0398791, MONDO:0009623, OMIM 251260.

Submission:

Labcorp Genetics (formerly Invitae), Labcorp
Classification: Uncertain significance for Microcephaly, normal intelligence and immunodeficiency. Last evaluated: 2019-05-24. Review status: criteria provided, single submitter. Criteria: Invitae Variant Classification Sherloc (09022015). Collection method: clinical testing. Allele origin: germline.
Comment: This variant results in a copy number gain of the genomic region encompassing exons 8-16 of the NBN gene. The 5' boundary is likely confined to intron 8. The 3' end of this event is unknown as it extends beyond the assayed region for this gene and therefore may encompass additional genes. As the precise location of this event is unknown, it may be in tandem or it may be located elsewhere in the genome. This variant has not been reported in the literature in individuals with NBN-related conditions. Experimental studies and prediction algorithms are not available or were not evaluated for this variant, and the functional significance of the affected amino acid(s) is currently unknown. In summary, the available evidence is currently insufficient to determine the role of this variant in disease. Therefore, it has been classified as a Variant of Uncertain Significance.

NC_000008.11:g.(?_89935572)_(89964517_?)dup

Gene: NBN (nibrin; minus strand). Cytogenetic location: 8q21.3.
Variant type: Duplication.
Identifiers: ClinVar variation 831321 (VCV000831321.1).